The following is an entry in ClinVar:

NM_000143.4(FH):c.333T>C (p.Gly111=)

Gene: FH (fumarate hydratase; minus strand). Cytogenetic location: 1q43.
Variant type: single nucleotide variant.
Coding change: c.333T>C on transcript NM_000143.4 (MANE Select); coding-DNA position 333, T replaced by C.
Protein change: p.Gly111=; no amino-acid change (glycine 111 retained).
Molecular consequence: synonymous variant.
Genome position (GRCh38, 1-based): chr1:241,513,648, A>G on the plus strand (T>C on the coding strand, the complement: FH is on the minus strand). VCF-style: chr1-241513648-A-G. GRCh37 (hg19) VCF-style: chr1-241676948-A-G.
Identifiers: ClinVar variation 3773041 (VCV003773041.1).

ClinVar aggregate classification (germline): Benign (1 of 4 stars; one submission).

Conditions:
Hereditary leiomyomatosis and renal cell cancer. Also called: MULTIPLE CUTANEOUS AND UTERINE LEIOMYOMATA 1, WITH OR WITHOUT RENAL CELL CARCINOMA; LEIOMYOMA, MULTIPLE CUTANEOUS; FH tumor predisposition syndrome; Reed syndrome; Multiple cutaneous and uterine leiomyomatosis; Cutaneous leiomyomata with uterine leiomyomata. Identifiers: Orphanet 523, MedGen C1708350, MONDO:0007888, OMIM 150800, HP:0007437. Disease mechanism: loss of function.

gnomAD v4.1: 2 of 1,614,096 alleles (0.00012%); highest among the groups gnomAD compares: South Asian, 0.0022%; no homozygotes.

Submission:

Myriad Genetics, Inc.
Classification: Benign for Hereditary leiomyomatosis and renal cell cancer. Last evaluated: 2024-10-17. Review status: criteria provided, single submitter. Criteria: Myriad Autosomal Dominant, Autosomal Recessive and X-Linked Classification Criteria (2023). Collection method: clinical testing. Allele origin: unknown.
Comment: This variant is considered benign. This variant is a silent/synonymous amino acid change and it is not expected to impact splicing.